The following is an entry in ClinVar:

ClinVar aggregate classification (germline): Likely pathogenic (1 of 4 stars; one submission).

Conditions:
Usher syndrome type 1B (USH1B). Also called: Usher syndrome type IB. Identifiers: MedGen C1848638, MONDO:0700087.

Submission:

Natera, Inc.
Classification: Likely pathogenic for Usher syndrome type 1B. Last evaluated: 2025-12-01. Review status: criteria provided, single submitter. Criteria: Natera Variant Classification Schema (03/2026). Collection method: clinical testing. Allele origin: germline.
Comment: The c.5856+1G>T variant in MYO7A is a canonical splice donor site variant predicted to affect pre-mRNA splicing, which may result in an abnormal transcript and altered protein product. This variant is expected to result in nonsense mediated decay, truncation, or a dysfunctional protein product. This variant is rare in the general population with a frequency below the threshold expected for the associated phenotype(s). Given the available evidence, this variant is classified as Likely Pathogenic.

NM_000260.4(MYO7A):c.5856+1G>T

Gene: MYO7A (myosin VIIA; plus strand). Cytogenetic location: 11q13.5.
Variant type: single nucleotide variant.
Coding change: c.5856+1G>T on transcript NM_000260.4 (MANE Select); the canonical splice donor site of the intron after coding-DNA position 5856, G replaced by T.
Molecular consequence: splice donor variant.
Genome position (GRCh38, 1-based): chr11:77,207,403, G>T. VCF-style: chr11-77207403-G-T. GRCh37 (hg19) VCF-style: chr11-76918448-G-T.
Other names: c.5709+1G>T (NM_001369365.1); c.5742+1G>T (NM_001127180.2).
Identifiers: ClinVar variation 4818031 (VCV004818031.1).
Genomic context (GRCh38, chr11:77,207,403, plus strand): 5'-ACCAGGCTGCTCCTCAAGTCCTCAGAGGGATTCAGCCTCTTTGTCAAAATTGCAGACAAG[G>T]TGGGTCCTTTGCCACCTTCGCCAAGGTGGGAGATTTGCTGGGGCCATAGGAACTTACGGA-3'